The following is an entry in ClinVar:

ClinVar aggregate classification (germline): Conflicting classifications of pathogenicity. Review status: criteria provided, conflicting classifications (1 of 4 stars). 19 submissions from 19 submitters: Uncertain significance (2); Benign (8); Likely benign (7). 2 of the submissions do not count toward it. Last evaluated 2026-09-01.

Conditions:
Cystic fibrosis diagnostic test.
CFTR-related disorder (CFTR-RD). Also called: CFTR-related condition; CFTR-related disorders. Identifiers: MedGen C5924204, MONDO:7770004.
Cystic fibrosis (CF). Also called: MUCOVISCIDOSIS. Identifiers: Orphanet 586, MedGen C0010674, MONDO:0009061, OMIM 219700. Disease mechanism: loss of function.

Allele frequency attached by ClinVar (database versions not stated): ExAC 0.00019; gnomAD 0.00039 and 0.00038; gnomAD exomes 0.00054 and 0.00025; TOPMed 0.00033; ESP Exome Variant Server 0.00315.
gnomAD v4.1: 847 of 1,613,670 alleles (0.052%); highest among the groups gnomAD compares: Non-Finnish European, 0.068%; 1 homozygote.

Submissions (19):

CeGaT Center for Human Genetics Tuebingen
Classification: Likely benign. Last evaluated: 2026-09-01. Review status: criteria provided, single submitter. Criteria: CeGaT Center For Human Genetics Tuebingen Variant Classification Criteria Version 2. Collection method: clinical testing. Allele origin: germline. Affected: yes. Observed: 6 variant alleles.
Comment: CFTR: BS2

NHS Central & South Genomic Laboratory Hub
Classification: Uncertain significance for Cystic fibrosis diagnostic test. Last evaluated: 2026-08-06. Review status: criteria provided, single submitter. Criteria: ACMG Guidelines, 2015. Collection method: clinical testing. Allele origin: germline. Affected: yes.

Institute of Human Genetics, University of Leipzig Medical Center
Classification: Benign for Cystic fibrosis. Last evaluated: 2026-03-24. Review status: criteria provided, single submitter. Criteria: ACMG Guidelines, 2015. Collection method: clinical testing. Allele origin: unknown. Inheritance: Autosomal recessive inheritance. Affected: yes.
Comment: Criteria applied: BS1, BS2

Labcorp Genetics (formerly Invitae), Labcorp
Classification: Likely benign for Cystic fibrosis. Last evaluated: 2026-02-01. Review status: criteria provided, single submitter. Criteria: Invitae Variant Classification Sherloc (09022015). Collection method: clinical testing. Allele origin: germline.

ARUP Laboratories, Molecular Genetics and Genomics, ARUP Laboratories
Classification: Benign. Last evaluated: 2025-05-08. Review status: criteria provided, single submitter. Criteria: ARUP Molecular Germline Variant Investigation Process 2024. Collection method: clinical testing. Allele origin: germline.

Blueprint Genetics
Classification: Likely benign. Last evaluated: 2024-07-09. Review status: criteria provided, single submitter. Criteria: ACMG Guidelines, 2015. Collection method: clinical testing. Allele origin: germline.

Greenwood Genetic Center Diagnostic Laboratories, Greenwood Genetic Center
Classification: Uncertain significance. Last evaluated: 2023-08-01. Review status: criteria provided, single submitter. Criteria: ACMG Guidelines, 2015. Collection method: clinical testing. Allele origin: germline. Affected: yes.
Comment: BP2

Mayo Clinic Laboratories, Mayo Clinic
Classification: Benign. Last evaluated: 2022-07-19. Review status: criteria provided, single submitter. Criteria: ACMG Guidelines, 2015. Collection method: clinical testing. Allele origin: germline. Observed: 11 variant alleles.

Quest Diagnostics Nichols Institute San Juan Capistrano
Classification: Likely benign. Last evaluated: 2022-05-16. Review status: criteria provided, single submitter. Criteria: Quest Diagnostics criteria. Collection method: clinical testing. Allele origin: unknown.

GeneDx
Classification: Likely benign. Last evaluated: 2020-05-20. Review status: criteria provided, single submitter. Criteria: GeneDx Variant Classification Process June 2021. Collection method: clinical testing. Allele origin: germline. Affected: yes.
Comment: In silico analysis supports that this missense variant does not alter protein structure/function; This variant is associated with the following publications: (PMID: 23523379, 30527892, 31808782, 22137130, 11354633, 19774621, 11729110, 31350925, 27022295, 17035430, 26574590, 8956039, 26911355, 15858154, 16283887, 17825628, 23951356, 23974870, 21520337)

Johns Hopkins Genomics, Johns Hopkins University
Classification: Benign for Cystic fibrosis. Last evaluated: 2019-09-15. Review status: criteria provided, single submitter. Criteria: ACMG Guidelines, 2015. Collection method: clinical testing. Allele origin: germline.

Mendelics
Classification: Benign for Cystic fibrosis. Last evaluated: 2019-05-28. Review status: criteria provided, single submitter. Criteria: Mendelics Assertion Criteria 2017. Collection method: clinical testing. Allele origin: unknown.

Illumina Laboratory Services, Illumina
Classification: Likely benign for CFTR-Related Disorders. Last evaluated: 2017-08-17. Review status: criteria provided, single submitter. Criteria: ICSL Variant Classification Criteria 13 December 2019. Collection method: clinical testing. Allele origin: germline.
Comment: This variant was observed as part of a predisposition screen in an ostensibly healthy population. A literature search was performed for the gene, cDNA change, and amino acid change (where applicable). Publications were found based on this search. The evidence from the literature, in combination with allele frequency data from public databases where available, was sufficient to determine this variant is unlikely to cause disease. Therefore, this variant is classified as likely benign.

Center for Pediatric Genomic Medicine, Children's Mercy Hospital and Clinics
Classification: Likely benign. Last evaluated: 2015-12-28. Review status: criteria provided, single submitter. Criteria: ACMG Guidelines, 2015. Collection method: clinical testing. Allele origin: germline.
ClinVar note: Converted during submission from Likely Benign to Likely benign.

Ambry Genetics
Classification: Benign for Cystic fibrosis. Last evaluated: 2015-01-27. Review status: criteria provided, single submitter. Criteria: Ambry Variant Classification Scheme 2023. Collection method: clinical testing. Allele origin: germline.

Eurofins Ntd Llc (ga)
Classification: Benign. Last evaluated: 2012-12-18. Review status: criteria provided, single submitter. Criteria: EGL Classification Definitions 2015. Collection method: clinical testing. Allele origin: germline. Observed: 9 variant alleles, 9 heterozygotes.

PreventionGenetics, part of Exact Sciences
Classification: Benign. Review status: criteria provided, single submitter. Criteria: ACMG Guidelines, 2015. Collection method: clinical testing. Allele origin: germline.

Natera, Inc.
Classification: Likely benign for CFTR-related disorders. Last evaluated: 2018-03-31. Review status: no assertion criteria provided. Collection method: clinical testing. Allele origin: germline. Not counted in ClinVar's aggregate classification.

Women's Health and Genetics/Laboratory Corporation of America, LabCorp
Classification: Benign for Cystic Fibrosis. Last evaluated: 2014-03-18. Review status: no assertion criteria provided. Collection method: clinical testing. Allele origin: germline. Not counted in ClinVar's aggregate classification.

Literature cited by the submitters: PubMed 8956039 (cited by Quest Diagnostics Nichols Institute San Juan Capistrano and Illumina Laboratory Services, Illumina); PubMed 23951356 (cited by Quest Diagnostics Nichols Institute San Juan Capistrano and Illumina Laboratory Services, Illumina); PubMed 23974870 (cited by Quest Diagnostics Nichols Institute San Juan Capistrano and Illumina Laboratory Services, Illumina); PubMed 1379210 (cited by Quest Diagnostics Nichols Institute San Juan Capistrano); PubMed 17825628 (cited by Quest Diagnostics Nichols Institute San Juan Capistrano and Illumina Laboratory Services, Illumina); PubMed 15858154 (cited by Quest Diagnostics Nichols Institute San Juan Capistrano and Illumina Laboratory Services, Illumina); PubMed 25287046 (cited by Quest Diagnostics Nichols Institute San Juan Capistrano); PubMed 26574590 (cited by Quest Diagnostics Nichols Institute San Juan Capistrano and Illumina Laboratory Services, Illumina); PubMed 21520337 (cited by Quest Diagnostics Nichols Institute San Juan Capistrano and Illumina Laboratory Services, Illumina); PubMed 17035430 (cited by Quest Diagnostics Nichols Institute San Juan Capistrano and Illumina Laboratory Services, Illumina); PubMed 11354633 (cited by Quest Diagnostics Nichols Institute San Juan Capistrano and Illumina Laboratory Services, Illumina); PubMed 31808782 (cited by Quest Diagnostics Nichols Institute San Juan Capistrano); PubMed 28603918 (cited by Quest Diagnostics Nichols Institute San Juan Capistrano); PubMed 33504063 (cited by Quest Diagnostics Nichols Institute San Juan Capistrano); PubMed 31759907 (cited by Quest Diagnostics Nichols Institute San Juan Capistrano); PubMed 30595473 (cited by Quest Diagnostics Nichols Institute San Juan Capistrano); PubMed 32244302 (cited by Quest Diagnostics Nichols Institute San Juan Capistrano); PubMed 35527187 (cited by Quest Diagnostics Nichols Institute San Juan Capistrano); PubMed 35365085 (cited by Quest Diagnostics Nichols Institute San Juan Capistrano); PubMed 31350925 (cited by Quest Diagnostics Nichols Institute San Juan Capistrano); PubMed 31883651 (cited by Quest Diagnostics Nichols Institute San Juan Capistrano); PubMed 16963320 (cited by Illumina Laboratory Services, Illumina).

NM_000492.4(CFTR):c.3080T>C (p.Ile1027Thr)

Genes: CFTR (CF transmembrane conductance regulator; plus strand), CFTR-AS2 (CFTR antisense RNA 2; minus strand), LOC111674472 (DNase I hypersensitive sites in introns 16 and 17a of CFTR; plus strand). Cytogenetic location: 7q31.2.
Variant type: single nucleotide variant.
Coding change: c.3080T>C on transcript NM_000492.4 (MANE Select); coding-DNA position 3080, T replaced by C.
Protein change: p.Ile1027Thr; replaces isoleucine 1027 with threonine.
Molecular consequence: missense variant.
Genome position (GRCh38, 1-based): chr7:117,610,610, T>C. VCF-style: chr7-117610610-T-C. GRCh37 (hg19) VCF-style: chr7-117250664-T-C.
Identifiers: ClinVar variation 35860 (VCV000035860.90), dbSNP rs1800112, ClinGen allele CA146697.